The following is an entry in ClinVar:

NM_015662.3(IFT172):c.1823A>G (p.Tyr608Cys)

Gene: IFT172 (intraflagellar transport 172; minus strand). Cytogenetic location: 2p23.3.
Variant type: single nucleotide variant.
Coding change: c.1823A>G on transcript NM_015662.3 (MANE Select); coding-DNA position 1823, A replaced by G.
Protein change: p.Tyr608Cys; replaces tyrosine 608 with cysteine.
Molecular consequence: missense variant.
Genome position (GRCh38, 1-based): chr2:27,465,752, T>C on the plus strand (A>G on the coding strand, the complement: IFT172 is on the minus strand). VCF-style: chr2-27465752-T-C. GRCh37 (hg19) VCF-style: chr2-27688619-T-C.
Other names: c.1823A>G (NM_015662.2); c.1757A>G, p.Tyr586Cys (NM_001410739.1); short protein forms Y586C, Y608C.
Identifiers: ClinVar variation 1993437 (VCV001993437.5), dbSNP rs754306688, ClinGen allele CA346386831.
Genomic context (GRCh38, chr2:27,465,752, plus strand): 5'-CCTCTCAGAACCAGACTCTCCCACCACCTCACTGGTTATTGGCCAGCCTCTCACCGGATG[T>C]AGTTGCCATCATCAATGGCTGTTCCAAACTCGATGAGGCCCTCATCCAATGTGTAGGCAA-3'
Protein context (NP_056477.1, residues 598-618): EFGTAIDDGN[Tyr608Cys]IRATAFLETL

ClinVar aggregate classification (germline): Uncertain significance. Review status: criteria provided, multiple submitters, no conflicts (2 of 4 stars). 2 submissions from 2 submitters: Uncertain significance (2). Last evaluated 2026-03-26.

Conditions:
IFT172-related disorder. Also called: IFT172-related condition; IFT172-related disorders.
Short-rib thoracic dysplasia 10 with or without polydactyly (SRTD10). Identifiers: Orphanet 474, MedGen C3810175, MONDO:0014284, OMIM 615630.
Retinitis pigmentosa 71 (RP71). Identifiers: Orphanet 791, MedGen C4225342, MONDO:0014618, OMIM 616394.

gnomAD v4.1: 1 of 1,614,142 alleles (0.000062%); highest among the groups gnomAD compares: African/African-American, 0.0013%; no homozygotes.

Submissions (2):

PreventionGenetics, part of Exact Sciences
Classification: Uncertain significance for IFT172-related condition. Last evaluated: 2026-03-26. Review status: criteria provided, single submitter. Criteria: ACMG Guidelines, 2015. Collection method: clinical testing. Allele origin: germline.
Comment: The IFT172 c.1823A>G variant is predicted to result in the amino acid substitution p.Tyr608Cys. To our knowledge, this variant has not been reported in the literature or in a large population database (gnomAD), indicating this variant is rare. At this time, the clinical significance of this variant is uncertain due to the absence of conclusive functional and genetic evidence.

Labcorp Genetics (formerly Invitae), Labcorp
Classification: Uncertain significance for Retinitis pigmentosa 71; Short-rib thoracic dysplasia 10 with or without polydactyly. Last evaluated: 2022-06-25. Review status: criteria provided, single submitter. Criteria: Invitae Variant Classification Sherloc (09022015). Collection method: clinical testing. Allele origin: germline.
Comment: In summary, the available evidence is currently insufficient to determine the role of this variant in disease. Therefore, it has been classified as a Variant of Uncertain Significance. Algorithms developed to predict the effect of missense changes on protein structure and function are either unavailable or do not agree on the potential impact of this missense change (SIFT: "Deleterious"; PolyPhen-2: "Probably Damaging"; Align-GVGD: "Class C0"). This variant has not been reported in the literature in individuals affected with IFT172-related conditions. This variant is not present in population databases (gnomAD no frequency). This sequence change replaces tyrosine, which is neutral and polar, with cysteine, which is neutral and slightly polar, at codon 608 of the IFT172 protein (p.Tyr608Cys).